The following is an entry in ClinVar:

NM_022121.5(PERP):c.453G>A (p.Trp151Ter)

Gene: PERP (p53 apoptosis effector related to PMP22; minus strand). Cytogenetic location: 6q23.3.
Variant type: single nucleotide variant.
Coding change: c.453G>A on transcript NM_022121.5 (MANE Select); coding-DNA position 453, G replaced by A.
Protein change: p.Trp151Ter; replaces tryptophan 151 with a stop codon.
Molecular consequence: nonsense.
Genome position (GRCh38, 1-based): chr6:138,092,171, C>T on the plus strand (G>A on the coding strand, the complement: PERP is on the minus strand). VCF-style: chr6-138092171-C-T. GRCh37 (hg19) VCF-style: chr6-138413308-C-T.
Other names: PERP, TRP151TER, 453G-A; c.453G>A (NM_022121.4); short protein forms W151*.
Identifiers: ClinVar variation 997848 (VCV000997848.2), dbSNP rs1775596924, ClinGen allele CA365865707.

ClinVar aggregate classification (germline): Likely pathogenic. Review status: criteria provided, single submitter (1 of 4 stars). 2 submissions from 2 submitters: Likely pathogenic (1). 1 of the submissions does not count toward it. Last evaluated 2026-01-31.

Conditions:
Olmsted syndrome 2 (OLMS2). Also called: PALMOPLANTAR KERATODERMA, MUTILATING, WITH PERIORIFICIAL KERATOTIC PLAQUES 2. Identifiers: MedGen C5543096, MONDO:0030961, OMIM 619208.

Submissions (2):

GeneDx
Classification: Likely pathogenic. Last evaluated: 2026-01-31. Review status: criteria provided, single submitter. Criteria: GeneDx Variant Classification Process June 2021. Collection method: clinical testing. Allele origin: germline.
Comment: Nonsense variant predicted to result in protein truncation, as the last 43 amino acid(s) are lost, and other loss-of-function variants have been reported downstream in HGMD; Not observed at significant frequency in large population cohorts (gnomAD); This variant is associated with the following publications: (PMID: 30321533)

OMIM
Classification: Pathogenic for OLMSTED SYNDROME 2. Last evaluated: 2021-02-25. Review status: no assertion criteria provided. Collection method: literature only. Allele origin: germline. Not counted in ClinVar's aggregate classification.

Literature cited by the submitters: PubMed 30321533 (cited by OMIM).